The following is an entry in ClinVar:

ClinVar aggregate classification (germline): Uncertain significance (1 of 4 stars; one submission).

gnomAD v4.1: 4 of 1,613,926 alleles (0.00025%); highest among the groups gnomAD compares: Admixed American, 0.005%; no homozygotes.

Submission:

Women's Health and Genetics/Laboratory Corporation of America, LabCorp
Classification: Uncertain significance. Last evaluated: 2026-02-06. Review status: criteria provided, single submitter. Criteria: LabCorp Variant Classification Summary - May 2015. Collection method: clinical testing. Allele origin: germline.
Comment: Variant summary: CHD1 c.505G>C (p.Glu169Gln) results in a conservative amino acid change in the encoded protein sequence. Algorithms developed to predict the effect of missense changes on protein structure and function are either unavailable or do not agree on the potential impact of this missense change. The variant allele was found at a frequency of 1.2e-05 in 251168 control chromosomes. The available data on variant occurrences in the general population are insufficient to allow any conclusion about variant significance. To our knowledge, no occurrence of c.505G>C in individuals affected with CHD1-related conditions and no experimental evidence demonstrating its impact on protein function have been reported. No submitters have cited clinical-significance assessments for this variant to ClinVar. Based on the evidence outlined above, the variant was classified as uncertain significance.

NM_001270.4(CHD1):c.505G>C (p.Glu169Gln)

Gene: CHD1 (chromodomain helicase DNA binding protein 1; minus strand). Cytogenetic location: 5q21.1.
Variant type: single nucleotide variant.
Coding change: c.505G>C on transcript NM_001270.4 (MANE Select); coding-DNA position 505, G replaced by C.
Protein change: p.Glu169Gln; replaces glutamic acid 169 with glutamine.
Molecular consequence: missense variant. On other transcripts: non-coding transcript variant (2).
Genome position (GRCh38, 1-based): chr5:98,901,268, C>G on the plus strand (G>C on the coding strand, the complement: CHD1 is on the minus strand). VCF-style: chr5-98901268-C-G. GRCh37 (hg19) VCF-style: chr5-98236972-C-G.
Other names: c.505G>C, p.Glu169Gln (NM_001364113.3, NM_001376194.2); short protein forms E169Q.
Identifiers: ClinVar variation 4847998 (VCV004847998.1).